The following is an entry in ClinVar:

ClinVar aggregate classification (germline): Benign/Likely benign. Review status: criteria provided, multiple submitters, no conflicts (2 of 4 stars). 5 submissions from 5 submitters: Benign (2); Likely benign (1). 2 of the submissions do not count toward it. Last evaluated 2026-02-03.

Conditions:
Zellweger spectrum disorders (ZS). Also called: Zellweger Spectrum Disorder; Zellweger Spectrum; Zellweger Spectrum Disorder (ZSD); Zellweger syndrome. Identifiers: Orphanet 912, MedGen C0043459, MONDO:0019609.
Peroxisome biogenesis disorder, complementation group 7 (CG7). Also called: Peroxisome biogenesis disorder, complementation group B. Identifiers: MedGen C1864399.
Peroxisome biogenesis disorder 6A (Zellweger). Also called: Peroxisome biogenesis disorder 6A. Identifiers: Orphanet 912, MedGen C3553947, MONDO:0013936, OMIM 614870.

Allele frequency attached by ClinVar (database versions not stated): gnomAD exomes 0.00123; ExAC 0.00159; ESP Exome Variant Server 0.00523; gnomAD 0.00530 and 0.00554; TOPMed 0.00565; 1000 Genomes Project 0.00719; 1000 Genomes Project 30x 0.00734.
gnomAD v4.1: 1,533 of 1,613,574 alleles (0.095%); highest among the groups gnomAD compares: African/African-American, 1.8%; 16 homozygotes.

Submissions (5):

Labcorp Genetics (formerly Invitae), Labcorp
Classification: Benign for Peroxisome biogenesis disorder, complementation group 7. Last evaluated: 2026-02-03. Review status: criteria provided, single submitter. Criteria: Invitae Variant Classification Sherloc (09022015). Collection method: clinical testing. Allele origin: germline.

Blueprint Genetics
Classification: Likely benign. Last evaluated: 2024-08-20. Review status: criteria provided, single submitter. Criteria: ACMG Guidelines, 2015. Collection method: clinical testing. Allele origin: germline.

Illumina Laboratory Services, Illumina
Classification: Benign for Peroxisome biogenesis disorder 6A (Zellweger). Last evaluated: 2017-04-28. Review status: criteria provided, single submitter. Criteria: ICSL Variant Classification Criteria 13 December 2019. Collection method: clinical testing. Allele origin: germline.
Comment: This variant was observed as part of a predisposition screen in an ostensibly healthy population. A literature search was performed for the gene, cDNA change, and amino acid change (where applicable). No publications were found based on this search. Allele frequency data from public databases was too high to be consistent with this variant causing disease. Therefore, this variant is classified as benign.

Natera, Inc.
Classification: Benign for Zellweger syndrome. Last evaluated: 2019-10-28. Review status: no assertion criteria provided. Collection method: clinical testing. Allele origin: germline. Not counted in ClinVar's aggregate classification.

Mayo Clinic Laboratories, Mayo Clinic
Classification: Uncertain significance. Last evaluated: 2016-10-14. Review status: no assertion criteria provided. Collection method: clinical testing. Allele origin: unknown. Not counted in ClinVar's aggregate classification.

NM_002617.4(PEX10):c.332T>C (p.Leu111Pro)

Gene: PEX10 (peroxisomal biogenesis factor 10; minus strand). Cytogenetic location: 1p36.32.
Variant type: single nucleotide variant.
Coding change: c.332T>C on transcript NM_002617.4 (MANE Select); coding-DNA position 332, T replaced by C.
Protein change: p.Leu111Pro; replaces leucine 111 with proline.
Molecular consequence: missense variant. On other transcripts: 5 prime UTR variant (2), non-coding transcript variant (1).
Genome position (GRCh38, 1-based): chr1:2,408,720, A>G on the plus strand (T>C on the coding strand, the complement: PEX10 is on the minus strand). VCF-style: chr1-2408720-A-G. GRCh37 (hg19) VCF-style: chr1-2340159-A-G.
Other names: c.332T>C, p.Leu111Pro (NM_001374425.1, NM_153818.2); c.-101T>C (NM_001374426.1, NM_001374427.1); short protein forms L111P.
Identifiers: ClinVar variation 559058 (VCV000559058.20), dbSNP rs35426403, ClinGen allele CA538209.